The following is an entry in ClinVar:

ClinVar aggregate classification (germline): Uncertain significance. Review status: criteria provided, multiple submitters, no conflicts (2 of 4 stars). 6 submissions from 6 submitters: Uncertain significance (5). 1 of the submissions does not count toward it. Last evaluated 2026-01-12.

Conditions:
SEMA3E-related disorder. Also called: SEMA3E-related condition.
CHARGE syndrome (CHARGE). Also called: Hittner Hirsch Kreh syndrome; CHARGE ASSOCIATION--COLOBOMA, HEART ANOMALY, CHOANAL ATRESIA, RETARDATION, GENITAL AND EAR ANOMALIES; Coloboma, heart anomaly, choanal atresia, retardation, genital and ear anomalies; CHARGE association; Hall-Hittner syndrome. Identifiers: Orphanet 138, MedGen C0265354, MONDO:0008965.
Hypogonadotropic hypogonadism 7 with or without anosmia (HH7). Also called: GNRHR-Related GnRH Deficiency; HYPOGONADOTROPIC HYPOGONADISM 7 WITHOUT ANOSMIA. Identifiers: Orphanet 432, MedGen C0342384, MONDO:0007794, OMIM 146110.

Allele frequency attached by ClinVar (database versions not stated): gnomAD 0.00002; gnomAD exomes 0.00003 and 0.00016; TOPMed 0.00009; ExAC 0.00011.
gnomAD v4.1: 47 of 1,613,852 alleles (0.0029%); highest among the groups gnomAD compares: Admixed American, 0.077%; no homozygotes.

Submissions (6):

Labcorp Genetics (formerly Invitae), Labcorp
Classification: Uncertain significance for CHARGE syndrome. Last evaluated: 2026-01-12. Review status: criteria provided, single submitter. Criteria: Invitae Variant Classification Sherloc (09022015). Collection method: clinical testing. Allele origin: germline.
Comment: This sequence change replaces tyrosine, which is neutral and polar, with phenylalanine, which is neutral and non-polar, at codon 391 of the SEMA3E protein (p.Tyr391Phe). This variant is present in population databases (rs753965043, gnomAD 0.1%), and has an allele count higher than expected for a pathogenic variant. This variant has not been reported in the literature in individuals affected with SEMA3E-related conditions. ClinVar contains an entry for this variant (Variation ID: 836561). An algorithm developed to predict the effect of missense changes on protein structure and function (PolyPhen-2) suggests that this variant is likely to be tolerated. In summary, the available evidence is currently insufficient to determine the role of this variant in disease. Therefore, it has been classified as a Variant of Uncertain Significance.

Ambry Genetics
Classification: Uncertain significance. Last evaluated: 2024-05-15. Review status: criteria provided, single submitter. Criteria: Ambry Variant Classification Scheme 2023. Collection method: clinical testing. Allele origin: germline.

Fulgent Genetics
Classification: Uncertain significance for Hypogonadotropic hypogonadism 7 with or without anosmia; CHD7-related CHARGE syndrome. Last evaluated: 2022-04-14. Review status: criteria provided, single submitter. Criteria: ACMG Guidelines, 2015. Collection method: clinical testing. Allele origin: unknown.

GeneDx
Classification: Uncertain significance. Last evaluated: 2021-02-01. Review status: criteria provided, single submitter. Criteria: GeneDx Variant Classification Process June 2021. Collection method: clinical testing. Allele origin: germline. Affected: yes.
Comment: In silico analysis supports that this missense variant does not alter protein structure/function; Has not been previously published as pathogenic or benign to our knowledge

Baylor Genetics
Classification: Uncertain significance for CHD7-related CHARGE syndrome. Last evaluated: 2018-06-14. Review status: criteria provided, single submitter. Criteria: ACMG Guidelines, 2015. Collection method: clinical testing. Allele origin: paternal. Affected: yes.
Comment: This variant was determined to be of uncertain significance according to ACMG Guidelines, 2015 [PMID:25741868].

PreventionGenetics, part of Exact Sciences
Classification: Likely benign for SEMA3E-related condition. Last evaluated: 2022-03-31. Review status: no assertion criteria provided. Collection method: clinical testing. Allele origin: germline. Not counted in ClinVar's aggregate classification.
Comment: This variant is classified as likely benign based on ACMG/AMP sequence variant interpretation guidelines (Richards et al. 2015 PMID: 25741868, with internal and published modifications).

NM_012431.3(SEMA3E):c.1172A>T (p.Tyr391Phe)

Gene: SEMA3E (semaphorin 3E; minus strand). Cytogenetic location: 7q21.11.
Variant type: single nucleotide variant.
Coding change: c.1172A>T on transcript NM_012431.3 (MANE Select); coding-DNA position 1172, A replaced by T.
Protein change: p.Tyr391Phe; replaces tyrosine 391 with phenylalanine.
Molecular consequence: missense variant.
Genome position (GRCh38, 1-based): chr7:83,400,222, T>A on the plus strand (A>T on the coding strand, the complement: SEMA3E is on the minus strand). VCF-style: chr7-83400222-T-A. GRCh37 (hg19) VCF-style: chr7-83029538-T-A.
Other names: c.992A>T, p.Tyr331Phe (NM_001178129.2); short protein forms Y331F, Y391F.
Identifiers: ClinVar variation 836561 (VCV000836561.15), dbSNP rs753965043, ClinGen allele CA4322092.